The following is an entry in ClinVar:

NM_001244008.2(KIF1A):c.308A>C (p.Lys103Thr)

Gene: KIF1A (kinesin family member 1A; minus strand). Cytogenetic location: 2q37.3.
Variant type: single nucleotide variant.
Coding change: c.308A>C on transcript NM_001244008.2 (MANE Select); coding-DNA position 308, A replaced by C.
Protein change: p.Lys103Thr; replaces lysine 103 with threonine.
Molecular consequence: missense variant.
Genome position (GRCh38, 1-based): chr2:240,788,106, T>G on the plus strand (A>C on the coding strand, the complement: KIF1A is on the minus strand). VCF-style: chr2-240788106-T-G. GRCh37 (hg19) VCF-style: chr2-241727523-T-G.
Other names: c.308A>C, p.Lys103Thr (NM_001320705.2, NM_001330289.2, NM_001330290.2 and 20 more transcripts); short protein forms K103T.
Identifiers: ClinVar variation 432272 (VCV000432272.2), dbSNP rs1553639011, ClinGen allele CA351310236.

ClinVar aggregate classification (germline): Pathogenic (1 of 4 stars; one submission).

Submission:

GeneDx
Classification: Pathogenic. Last evaluated: 2017-05-16. Review status: criteria provided, single submitter. Criteria: GeneDx Variant Classification (06012015). Collection method: clinical testing. Allele origin: germline. Affected: yes.
Comment: The K103T variant in the KIF1A gene has not been reported previously as a pathogenic variant nor as a benignvariant, to our knowledge. The K103T variant is not observed in large population cohorts (Lek et al., 2016; 1000Genomes Consortium et al., 2015; Exome Variant Server). The K103T variant is a semi-conservative amino acidsubstitution, which may impact secondary protein structure as these residues differ in some properties. Thissubstitution occurs in the kinesin motor domain at a position that is conserved across species. In silico analysispredicts this variant is probably damaging to the protein structure/function. Missense variants in nearby residues(T99M, G102S, G102D) have been reported in the Human Gene Mutation Database in association with KIF1Arelateddisorder (Stenson et al., 2014), supporting the functional importance of this region of the protein. We interpretK103T as a pathogenic variant.